The following is an entry in ClinVar:

NM_001110556.2(FLNA):c.3323G>A (p.Cys1108Tyr)

Gene: FLNA (filamin A; minus strand). Cytogenetic location: Xq28.
Variant type: single nucleotide variant.
Coding change: c.3323G>A on transcript NM_001110556.2 (MANE Select); coding-DNA position 3323, G replaced by A.
Protein change: p.Cys1108Tyr; replaces cysteine 1108 with tyrosine.
Molecular consequence: missense variant.
Genome position (GRCh38, 1-based): chrX:154,360,472, C>T on the plus strand (G>A on the coding strand, the complement: FLNA is on the minus strand). VCF-style: chrX-154360472-C-T. GRCh37 (hg19) VCF-style: chrX-153588840-C-T.
Other names: c.3323G>A, p.Cys1108Tyr (NM_001456.4); c.3323G>A (NM_001110556.1); short protein forms C1108Y.
Identifiers: ClinVar variation 93756 (VCV000093756.27), dbSNP rs371677498, ClinGen allele CA221709.

ClinVar aggregate classification (germline): Conflicting classifications of pathogenicity. Review status: criteria provided, conflicting classifications (1 of 4 stars). 8 submissions from 8 submitters: Uncertain significance (6); Likely benign (2). Last evaluated 2025-12-10.

Conditions:
Heterotopia, periventricular, X-linked dominant (PVNH1). Also called: PERIVENTRICULAR NODULAR HETEROTOPIA 1; X-linked periventricular heterotopia; PERIVENTRICULAR NODULAR HETEROTOPIA 4; HETEROTOPIA, PERIVENTRICULAR, 1. Identifiers: Orphanet 2149, Orphanet 82004, MedGen C1848213, MONDO:0010233, OMIM 300049.
Frontometaphyseal dysplasia (FMD1). Identifiers: Orphanet 1826, MedGen C0265293, MONDO:0015942.
Melnick-Needles syndrome (MNS). Also called: Melnick-Needles Syndrome (FLNA-MNS); MELNICK-NEEDLES OSTEODYSPLASTY; OSTEODYSPLASTY OF MELNICK AND NEEDLES. Identifiers: Orphanet 2484, MedGen C0025237, MONDO:0010650, OMIM 309350.
Oto-palato-digital syndrome, type II (OPD2). Also called: Otopalatodigital Syndrome Type 2 (FLNA-OPD2); OPD II SYNDROME; Otopalatodigital Syndrome, Type II; FACIOPALATOOSSEOUS SYNDROME. Identifiers: Orphanet 669, Orphanet 90652, MedGen C1844696, MONDO:0010571, OMIM 304120.
FLNA-related disorder.
FG syndrome 2 (FGS2). Identifiers: MedGen C1845902, MONDO:0010297, OMIM 300321.
Cardiac valvular dysplasia, X-linked (CVDPX). Also called: Congenital valvular dysplasia; FLNA-Related X-linked Cardiac Valvular Dysplasia; MYXOMATOUS VALVULAR DYSTROPHY, X-LINKED; VALVULAR HEART DISEASE, CONGENITAL; Isolated X-Linked Cardiac Valvular Dysplasia. Identifiers: Orphanet 1864, Orphanet 555877, Orphanet 75497, MedGen C0262436, MONDO:0010753, OMIM 314400.
Intestinal pseudoobstruction, neuronal, chronic idiopathic, X-linked (CIIPX). Also called: INTESTINAL PSEUDOOBSTRUCTION, NEURONAL, CHRONIC IDIOPATHIC, WITH CENTRAL NERVOUS SYSTEM INVOLVEMENT; CONGENITAL IDIOPATHIC INTESTINAL PSEUDOOBSTRUCTION; FLNA-Related Periventricular Nodular Heterotopia (FLNA-Related PVNH; Huttenlocher Syndrome). Identifiers: Orphanet 2301, MedGen C2746068, MONDO:0010232, OMIM 300048.
Terminal osseous dysplasia-pigmentary defects syndrome. Also called: Terminal Osseous Dysplasia (FLNA-TOD); ODPF SYNDROME; OSSEOUS DYSPLASIA, DIGITAL, WITH FACIAL PIGMENTARY DEFECTS AND MULTIPLE FRENULA; ODPD; TERMINAL OSSEOUS DYSPLASIA AND PIGMENTARY DEFECTS. Identifiers: Orphanet 88630, MedGen C1846129, MONDO:0010279, OMIM 300244.
Oto-palato-digital syndrome, type I (OPD1). Also called: Otopalatodigital Syndrome Type 1 (FLNA-OPD1); OPD I SYNDROME; OPD SYNDROME 1; Taybi syndrome; Otopalatodigital Syndrome, Type I. Identifiers: Orphanet 669, Orphanet 90650, MedGen C0265251, MONDO:0010704, OMIM 311300.
Frontometaphyseal dysplasia 1 (FMD1). Also called: Frontometaphyseal Dysplasia (FLNA-FMD). Identifiers: Orphanet 1826, MedGen C4281559, MONDO:0024550, OMIM 305620.
Familial thoracic aortic aneurysm and aortic dissection (TAAD). Also called: Thoracic aortic aneurysms and dissections. Identifiers: Orphanet 91387, MedGen C4707243, MONDO:0019625.

Allele frequency attached by ClinVar (database versions not stated): gnomAD exomes 0.00003 and 0.00002; TOPMed 0.00004; ESP Exome Variant Server 0.00010; ExAC 0.00001; gnomAD 0.00001 and 0.00002.

Submissions (8):

Labcorp Genetics (formerly Invitae), Labcorp
Classification: Likely benign for Oto-palato-digital syndrome, type II; Heterotopia, periventricular, X-linked dominant; Frontometaphyseal dysplasia; Melnick-Needles syndrome. Last evaluated: 2025-12-10. Review status: criteria provided, single submitter. Criteria: Invitae Variant Classification Sherloc (09022015). Collection method: clinical testing. Allele origin: germline.

Ambry Genetics
Classification: Uncertain significance for Familial thoracic aortic aneurysm and aortic dissection. Last evaluated: 2025-10-29. Review status: criteria provided, single submitter. Criteria: Ambry Variant Classification Scheme 2023. Collection method: clinical testing. Allele origin: germline.
Comment: The p.C1108Y variant (also known as c.3323G>A), located in coding exon 21 of the FLNA gene, results from a G to A substitution at nucleotide position 3323. The cysteine at codon 1108 is replaced by tyrosine, an amino acid with highly dissimilar properties. This amino acid position is highly conserved in available vertebrate species. In addition, this alteration is predicted to be deleterious by in silico analysis. Based on data from gnomAD, the A allele has an overall frequency of 0.0025% (5/202552) total alleles studied, with 3 hemizygote(s) observed. The highest observed frequency was 0.0055% (1/18285) of African/African American alleles. Based on the available evidence, the clinical significance of this variant remains unclear.

PreventionGenetics, part of Exact Sciences
Classification: Likely benign for FLNA-related condition. Last evaluated: 2025-07-07. Review status: criteria provided, single submitter. Criteria: ACMG Guidelines, 2015. Collection method: clinical testing. Allele origin: germline.
Comment: This variant is classified as likely benign based on ACMG/AMP sequence variant interpretation guidelines (Richards et al. 2015 PMID: 25741868, with internal and published modifications).

Mayo Clinic Laboratories, Mayo Clinic
Classification: Uncertain significance. Last evaluated: 2024-08-23. Review status: criteria provided, single submitter. Criteria: ACMG Guidelines, 2015. Collection method: clinical testing. Allele origin: germline. Observed: 1 variant allele.
Comment: BS2, PP3

GeneDx
Classification: Uncertain significance. Last evaluated: 2024-01-18. Review status: criteria provided, single submitter. Criteria: GeneDx Variant Classification Process June 2021. Collection method: clinical testing. Allele origin: germline.
Comment: Has not been previously published as pathogenic or benign to our knowledge; In silico analysis supports that this missense variant has a deleterious effect on protein structure/function

ARUP Laboratories, Molecular Genetics and Genomics, ARUP Laboratories
Classification: Uncertain significance. Last evaluated: 2019-07-01. Review status: criteria provided, single submitter. Criteria: ARUP Molecular Germline Variant Investigation Process. Collection method: clinical testing. Allele origin: germline.
Comment: The FLNA c.3323G>A; p.Cys1108Tyr variant (rs371677498), to our knowledge, is not reported in the medical literature but is reported as uncertain significance in ClinVar (Variation ID: 93756). This variant is found in the general population with an overall allele frequency of 00.0025% (5/202552 alleles, including 3 hemizygotes) in the Genome Aggregation Database. The cysteine at codon 1108 is highly conserved, but computational analyses (SIFT: tolerated, PolyPhen-2: probably damaging) predict conflicting effects of this variant on protein structure/function. Due to limited information, the clinical significance of the p.Cys1108Tyr variant is uncertain at this time.

Fulgent Genetics
Classification: Uncertain significance for Intestinal pseudoobstruction, neuronal, chronic idiopathic, X-linked; Heterotopia, periventricular, X-linked dominant; Terminal osseous dysplasia-pigmentary defects syndrome; FG syndrome 2; Oto-palato-digital syndrome, type II; Frontometaphyseal dysplasia 1; Melnick-Needles syndrome; Oto-palato-digital syndrome, type I; Cardiac valvular dysplasia, X-linked. Last evaluated: 2018-10-31. Review status: criteria provided, single submitter. Criteria: ACMG Guidelines, 2015. Collection method: clinical testing. Allele origin: unknown.

Eurofins Ntd Llc (ga)
Classification: Uncertain significance. Last evaluated: 2013-03-11. Review status: criteria provided, single submitter. Criteria: EGL Classification Definitions 2015. Collection method: clinical testing. Allele origin: germline. Observed: 1 variant allele, 1 heterozygote.